The following is an entry in ClinVar:

NM_133259.4(LRPPRC):c.3340C>T (p.Gln1114Ter)

Gene: LRPPRC (leucine rich pentatricopeptide repeat containing; minus strand). Cytogenetic location: 2p21.
Variant type: single nucleotide variant.
Coding change: c.3340C>T on transcript NM_133259.4 (MANE Select); coding-DNA position 3340, C replaced by T.
Protein change: p.Gln1114Ter; replaces glutamine 1114 with a stop codon.
Molecular consequence: nonsense.
Genome position (GRCh38, 1-based): chr2:43,905,716, G>A on the plus strand (C>T on the coding strand, the complement: LRPPRC is on the minus strand). VCF-style: chr2-43905716-G-A. GRCh37 (hg19) VCF-style: chr2-44132855-G-A.
Other names: short protein forms Q1114*.
Identifiers: ClinVar variation 2031215 (VCV002031215.4), dbSNP rs2466401180, ClinGen allele CA346664937.

ClinVar aggregate classification (germline): Pathogenic (1 of 4 stars; one submission).

Submission:

Labcorp Genetics (formerly Invitae), Labcorp
Classification: Pathogenic. Last evaluated: 2022-09-19. Review status: criteria provided, single submitter. Criteria: Invitae Variant Classification Sherloc (09022015). Collection method: clinical testing. Allele origin: germline.
Comment: For these reasons, this variant has been classified as Pathogenic. Algorithms developed to predict the effect of sequence changes on RNA splicing suggest that this variant may disrupt the consensus splice site. This variant has not been reported in the literature in individuals affected with LRPPRC-related conditions. This variant is not present in population databases (gnomAD no frequency). This sequence change creates a premature translational stop signal (p.Gln1114*) in the LRPPRC gene. It is expected to result in an absent or disrupted protein product. Loss-of-function variants in LRPPRC are known to be pathogenic (PMID: 26510951).

Literature cited by the submitters: PubMed 26510951.